The following is an entry in ClinVar:

NM_001048174.2(MUTYH):c.477G>C (p.Gln159His)

Gene: MUTYH (mutY DNA glycosylase; minus strand). Cytogenetic location: 1p34.1.
Variant type: single nucleotide variant.
Coding change: c.477G>C on transcript NM_001048174.2 (MANE Select); coding-DNA position 477, G replaced by C.
Protein change: p.Gln159His; replaces glutamine 159 with histidine.
Molecular consequence: missense variant. On other transcripts: non-coding transcript variant (7).
Genome position (GRCh38, 1-based): chr1:45,332,778, C>G on the plus strand (G>C on the coding strand, the complement: MUTYH is on the minus strand). VCF-style: chr1-45332778-C-G. GRCh37 (hg19) VCF-style: chr1-45798450-C-G.
Other names: c.477G>C, p.Gln159His (NM_001048171.2, NM_001048173.2, NM_001407081.1 and 6 more transcripts); c.480G>C, p.Gln160His (NM_001048172.2, NM_001407078.1, NM_001407086.1 and 1 more transcripts); c.561G>C, p.Gln187His (NM_001128425.2); c.522G>C, p.Gln174His (NM_001293190.2); c.510G>C, p.Gln170His (NM_001293191.2, NM_001407077.1, NM_001407069.1); c.201G>C, p.Gln67His (NM_001293192.2, NM_001407091.1, NM_001293196.2); c.438G>C, p.Gln146His (NM_001407079.1); c.435G>C, p.Gln145His (NM_001407080.1); and 5 more; short protein forms Q145H, Q166H, Q184H, Q67H, Q159H, Q146H, Q44H, Q131H.
Identifiers: ClinVar variation 4113727 (VCV004113727.1).

ClinVar aggregate classification (germline): Uncertain significance (1 of 4 stars; one submission).

Conditions:
Hereditary cancer-predisposing syndrome. Also called: Hereditary neoplastic syndrome; Neoplastic Syndromes, Hereditary; Tumor predisposition; Hereditary Cancer Syndrome. Identifiers: Orphanet 140162, MedGen C0027672, MeSH D009386, MONDO:0015356.

Submission:

Ambry Genetics
Classification: Uncertain significance for Hereditary cancer-predisposing syndrome. Last evaluated: 2025-08-27. Review status: criteria provided, single submitter. Criteria: Ambry Variant Classification Scheme 2023. Collection method: clinical testing. Allele origin: germline.
Comment: The p.Q187H variant (also known as c.561G>C), located in coding exon 7 of the MUTYH gene, results from a G to C substitution at nucleotide position 561. The glutamine at codon 187 is replaced by histidine, an amino acid with highly similar properties. This amino acid position is conserved. In addition, this alteration is predicted to be tolerated by in silico analysis. Based on the available evidence, the clinical significance of this variant remains unclear.